The following is an entry in ClinVar:

ClinVar aggregate classification (germline): Uncertain significance. Review status: criteria provided, multiple submitters, no conflicts (2 of 4 stars). 2 submissions from 2 submitters: Uncertain significance (2). Last evaluated 2025-02-13.

Conditions:
NRP2-related disorder. Also called: NRP2-related condition.

gnomAD v4.1: 18 of 1,614,040 alleles (0.0011%); highest among the groups gnomAD compares: East Asian, 0.0022%; no homozygotes.

Submissions (2):

Ambry Genetics
Classification: Uncertain significance. Last evaluated: 2025-02-13. Review status: criteria provided, single submitter. Criteria: Ambry Variant Classification Scheme 2023. Collection method: clinical testing. Allele origin: germline.

PreventionGenetics, part of Exact Sciences
Classification: Uncertain significance for NRP2-related condition. Last evaluated: 2024-10-10. Review status: criteria provided, single submitter. Criteria: ACMG Guidelines, 2015. Collection method: clinical testing. Allele origin: germline.
Comment: The NRP2 c.1934A>G variant is predicted to result in the amino acid substitution p.Asn645Ser. To our knowledge, this variant has not been reported in the literature. This variant is reported in 0.0062% of alleles in individuals of European (Non-Finnish) descent in gnomAD. At this time, the clinical significance of this variant is uncertain due to the absence of conclusive functional and genetic evidence.

NM_003872.3(NRP2):c.1934A>G (p.Asn645Ser)

Genes: NRP2 (neuropilin 2; plus strand), LOC126806481 (CDK7 strongly-dependent group 2 enhancer GRCh37_chr2:206617009-206618208; plus strand). Cytogenetic location: 2q33.3.
Variant type: single nucleotide variant.
Coding change: c.1934A>G on transcript NM_003872.3 (MANE Select); coding-DNA position 1934, A replaced by G.
Protein change: p.Asn645Ser; replaces asparagine 645 with serine.
Molecular consequence: missense variant.
Genome position (GRCh38, 1-based): chr2:205,752,865, A>G. VCF-style: chr2-205752865-A-G. GRCh37 (hg19) VCF-style: chr2-206617589-A-G.
Other names: c.1934A>G, p.Asn645Ser (NM_018534.4, NM_201266.2, NM_201267.2 and 1 more transcripts); short protein forms N645S.
Identifiers: ClinVar variation 3881089 (VCV003881089.2).